The following is an entry in ClinVar:

NM_000312.4(PROC):c.446A>G (p.His149Arg)

Gene: PROC (protein C, inactivator of coagulation factors Va and VIIIa; plus strand). Cytogenetic location: 2q14.3.
Variant type: single nucleotide variant.
Coding change: c.446A>G on transcript NM_000312.4 (MANE Select); coding-DNA position 446, A replaced by G.
Protein change: p.His149Arg; replaces histidine 149 with arginine.
Molecular consequence: missense variant. On other transcripts: intron variant (1).
Genome position (GRCh38, 1-based): chr2:127,423,319, A>G. VCF-style: chr2-127423319-A-G. GRCh37 (hg19) VCF-style: chr2-128180895-A-G.
Other names: c.629A>G, p.His210Arg (NM_001375602.1); c.611A>G, p.His204Arg (NM_001375603.1); c.509A>G, p.His170Arg (NM_001375604.1); c.548A>G, p.His183Arg (NM_001375605.1); c.614A>G, p.His205Arg (NM_001375606.1); c.632A>G, p.His211Arg (NM_001375607.1); c.422A>G, p.His141Arg (NM_001375609.1); c.440A>G, p.His147Arg (NM_001375610.1); and 2 more; short protein forms H141R, H147R, H149R, H170R, H183R, H204R, H205R, H210R.
Identifiers: ClinVar variation 2444294 (VCV002444294.1), dbSNP rs121918159, ClinGen allele CA348399852.

ClinVar aggregate classification (germline): Uncertain significance (1 of 4 stars; one submission).

Conditions:
Thrombophilia due to protein C deficiency, autosomal dominant. Also called: PROC DEFICIENCY, AUTOSOMAL DOMINANT; PROTEIN C DEFICIENCY, AUTOSOMAL DOMINANT. Identifiers: Orphanet 745, MedGen C2674321, MONDO:0008316, OMIM 176860. Disease mechanism: loss of function.

Submission:

3billion
Classification: Uncertain significance for Thrombophilia due to protein C deficiency, autosomal dominant. Last evaluated: 2023-02-23. Review status: criteria provided, single submitter. Criteria: ACMG Guidelines, 2015. Collection method: clinical testing. Allele origin: unknown. Affected: yes.
Comment: The variant is not observed in the gnomAD v2.1.1 dataset. Missense changes are a common disease-causing mechanism. In silico tool predictions suggest damaging effect of the variant on gene or gene product (REVEL: 0.77; 3Cnet: 0.75). A different missense change at the same codon (p.His149Pro) has been reported to be associated with PROC related disorder (ClinVar ID: VCV000000679 / PMID: 10805275). However, the evidence of pathogenicity is insufficient at this time. Therefore, this variant is classified as VUS according to the recommendation of ACMG/AMP guideline.

Literature cited by the submitters: PubMed 10805275.